The following is an entry in ClinVar:

ClinVar aggregate classification (germline): Uncertain significance (1 of 4 stars; one submission).

Conditions:
Hereditary pancreatitis (PCTT). Also called: Hereditary chronic pancreatitis; PRSS1-Related Hereditary Pancreatitis. Identifiers: Orphanet 676, MedGen C0238339, MONDO:0008185, OMIM 167800.

gnomAD v4.1: 1 of 1,614,102 alleles (0.000062%); no homozygotes.

Submission:

Ambry Genetics
Classification: Uncertain significance for Hereditary pancreatitis. Last evaluated: 2023-11-03. Review status: criteria provided, single submitter. Criteria: Ambry Variant Classification Scheme 2023. Collection method: clinical testing. Allele origin: germline.
Comment: The p.H110N variant (also known as c.328C>A), located in coding exon 4 of the CTRC gene, results from a C to A substitution at nucleotide position 328. The histidine at codon 110 is replaced by asparagine, an amino acid with similar properties. This amino acid position is conserved. In addition, the in silico prediction for this alteration is inconclusive. Since supporting evidence is limited at this time, the clinical significance of this alteration remains unclear.

NM_007272.3(CTRC):c.328C>A (p.His110Asn)

Gene: CTRC (chymotrypsin C; plus strand). Cytogenetic location: 1p36.21.
Variant type: single nucleotide variant.
Coding change: c.328C>A on transcript NM_007272.3 (MANE Select); coding-DNA position 328, C replaced by A.
Protein change: p.His110Asn; replaces histidine 110 with asparagine.
Molecular consequence: missense variant.
Genome position (GRCh38, 1-based): chr1:15,442,544, C>A. VCF-style: chr1-15442544-C-A. GRCh37 (hg19) VCF-style: chr1-15769040-C-A.
Other names: short protein forms H110N.
Identifiers: ClinVar variation 3226066 (VCV003226066.1), dbSNP rs2526294704, ClinGen allele CA338565621.